The following is an entry in ClinVar:

ClinVar aggregate classification (germline): Uncertain significance (1 of 4 stars; one submission).

Conditions:
Monogenic diabetes. Identifiers: Orphanet 183625, MedGen C3888631, MONDO:0015967.

gnomAD v4.1: 12 of 1,612,898 alleles (0.00074%); highest among the groups gnomAD compares: South Asian, 0.0011%; no homozygotes.

Submission:

Personalized Diabetes Medicine Program, University of Maryland School of Medicine
Classification: Uncertain significance for Monogenic diabetes. Last evaluated: 2016-05-13. Review status: criteria provided, single submitter. Criteria: ACMG Guidelines, 2015. Collection method: research. Allele origin: unknown. Observed: 1 variant allele, 1 heterozygote.
Comment: ACMG Criteria: PM2, PP3, BP4

NM_002303.6(LEPR):c.1968G>T (p.Lys656Asn)

Gene: LEPR (leptin receptor; plus strand). Cytogenetic location: 1p31.3.
Variant type: single nucleotide variant.
Coding change: c.1968G>T on transcript NM_002303.6 (MANE Select); coding-DNA position 1968, G replaced by T.
Protein change: p.Lys656Asn; replaces lysine 656 with asparagine.
Molecular consequence: missense variant.
Genome position (GRCh38, 1-based): chr1:65,610,269, G>T. VCF-style: chr1-65610269-G-T. GRCh37 (hg19) VCF-style: chr1-66075952-G-T.
Other names: c.1968G>T, p.Lys656Asn (NM_001003679.3, NM_001003680.3, NM_001198687.2 and 2 more transcripts); short protein forms K656N.
Identifiers: ClinVar variation 393446 (VCV000393446.1), dbSNP rs1805094, ClinGen allele CA16609263.
Genomic context (GRCh38, chr1:65,610,269, plus strand): 5'-TGCAGTTCCTATGAGAGGACCTGAATTTTGGAGAATAATTAATGGAGATACTATGAAAAA[G>T]GAGAAAAATGTCACTTTACTTTGGAAGGTATTCCCAATTTTAATATTAATCTTAAATTGT-3'
Protein context (NP_002294.2, residues 646-666): WRIINGDTMK[Lys656Asn]EKNVTLLWKP